The following is an entry in ClinVar:

ClinVar aggregate classification (germline): Conflicting classifications of pathogenicity. Review status: criteria provided, conflicting classifications (1 of 4 stars). 7 submissions from 6 submitters: Uncertain significance (6); Benign (1). Last evaluated 2026-01-04.

Conditions:
Cardiovascular phenotype. Identifiers: MedGen CN230736.
Hereditary cancer-predisposing syndrome. Also called: Tumor predisposition; Hereditary Cancer Syndrome; Hereditary neoplastic syndrome; Neoplastic Syndromes, Hereditary. Identifiers: Orphanet 140162, MedGen C0027672, MeSH D009386, MONDO:0015356.
Neurofibromatosis, type 1 (NF1). Also called: VON RECKLINGHAUSEN DISEASE; NEUROFIBROMATOSIS, TYPE I, SOMATIC; Peripheral type neurofibromatosis; Neurofibromatosis, type I. Identifiers: Orphanet 636, MedGen C0027831, MONDO:0018975, OMIM 162200. Disease mechanism: loss of function.
Neurofibromatosis, familial spinal (FSNF). Identifiers: Orphanet 636, MedGen C1834235, MONDO:0008078, OMIM 162210. Disease mechanism: loss of function.
Neurofibromatosis-Noonan syndrome (NFNS). Also called: NEUROFIBROMATOSIS WITH NOONAN PHENOTYPE. Identifiers: Orphanet 638, MedGen C2931482, MONDO:0011035, OMIM 601321. Disease mechanism: loss of function.
Café-au-lait macules with pulmonary stenosis (WTSN). Also called: PULMONIC STENOSIS WITH CAFE-AU-LAIT SPOTS. Identifiers: MedGen C0553586, MONDO:0008672, OMIM 193520.
Juvenile myelomonocytic leukemia (JMML). Also called: LEUKEMIA, JUVENILE MYELOMONOCYTIC, SOMATIC. Identifiers: Orphanet 86834, MedGen C0349639, MONDO:0011908, OMIM 607785, HP:0012209.

Allele frequency attached by ClinVar (database versions not stated): gnomAD 0.00001.
gnomAD v4.1: 8 of 1,613,320 alleles (0.0005%); highest among the groups gnomAD compares: Admixed American, 0.0033%; no homozygotes.

Submissions (7):

Labcorp Genetics (formerly Invitae), Labcorp
Classification: Benign for Neurofibromatosis, type 1. Last evaluated: 2026-01-04. Review status: criteria provided, single submitter. Criteria: Invitae Variant Classification Sherloc (09022015). Collection method: clinical testing. Allele origin: germline.

GeneDx
Classification: Uncertain significance. Last evaluated: 2023-07-03. Review status: criteria provided, single submitter. Criteria: GeneDx Variant Classification Process June 2021. Collection method: clinical testing. Allele origin: germline. Affected: yes.
Comment: In silico analysis supports that this missense variant does not alter protein structure/function; Has not been previously published as pathogenic or benign to our knowledge; This variant is associated with the following publications: (PMID: 24308032)

St. Jude Molecular Pathology, St. Jude Children's Research Hospital
Classification: Uncertain significance for Neurofibromatosis, type 1. Last evaluated: 2023-06-26. Review status: criteria provided, single submitter. Criteria: St. Jude Assertion Criteria 2020. Collection method: clinical testing. Allele origin: germline.
Comment: The NF1 c.1264G>A (p.Ala422Thr) missense change has a maximum subpopulation frequency of 0.0056% in gnomAD v2.1.1. The in silico tool REVEL is inconclusive about a pathogenic or benign effect of this variant on protein function, and to our knowledge functional studies have not been performed. This variant has been reported in one individual with primary MDS classified as refractory anemia with excess blasts (PMID: 29146900). To our knowledge, this variant has not been reported in individuals with Neurofibromatosis type 1. In summary, the evidence currently available is insufficient to determine the clinical significance of this variant. It has therefore been classified as of uncertain significance.

Genome-Nilou Lab
Classification: Uncertain significance for Neurofibromatosis, type 1. Last evaluated: 2022-03-15. Review status: criteria provided, single submitter. Criteria: ACMG Guidelines, 2015. Collection method: clinical testing. Allele origin: germline. Affected: no.

Fulgent Genetics
Classification: Uncertain significance for Neurofibromatosis, type 1; Neurofibromatosis, familial spinal; Café-au-lait macules with pulmonary stenosis; Neurofibromatosis-Noonan syndrome; Juvenile myelomonocytic leukemia. Last evaluated: 2022-02-11. Review status: criteria provided, single submitter. Criteria: ACMG Guidelines, 2015. Collection method: clinical testing. Allele origin: unknown.

Ambry Genetics
Classification: Uncertain significance for Cardiovascular phenotype; Hereditary cancer-predisposing syndrome. Last evaluated: 2020-10-20. Review status: criteria provided, single submitter. Criteria: Ambry Variant Classification Scheme 2023. Collection method: clinical testing. Allele origin: germline.

Ambry Genetics
Classification: Uncertain significance for Hereditary cancer-predisposing syndrome. Last evaluated: 2015-09-29. Review status: criteria provided, single submitter. Criteria: Ambry Autosomal Dominant and X-Linked criteria (10/2015). Collection method: clinical testing. Allele origin: germline. Observed: 1 variant allele.
Comment: The p.A422T variant (also known as c.1264G>A), located in coding exon 12 of the NF1 gene, results from a G to A substitution at nucleotide position 1264. The alanine at codon 422 is replaced by threonine, an amino acid with similar properties. This variant was not reported in population based cohorts in the following databases: Database of Single Nucleotide Polymorphisms (dbSNP), NHLBI Exome Sequencing Project (ESP), and 1000 Genomes Project. In the ESP, this variant was not observed in 6503 samples (13006 alleles) with coverage at this position. To date, this alteration has been detected with an allele frequency of approximately 0.004% (greater than 110000 alleles tested) in our clinical cohort. This amino acid position is well conserved in available vertebrate species. In addition, the in silico prediction for this alteration is inconclusive. Since supporting evidence is limited at this time, the clinical significance of p.A422T remains unclear.

NM_001042492.3(NF1):c.1264G>A (p.Ala422Thr)

Gene: NF1 (neurofibromin 1; plus strand). Cytogenetic location: 17q11.2.
Variant type: single nucleotide variant.
Coding change: c.1264G>A on transcript NM_001042492.3 (MANE Select); coding-DNA position 1264, G replaced by A.
Protein change: p.Ala422Thr; replaces alanine 422 with threonine.
Molecular consequence: missense variant.
Genome position (GRCh38, 1-based): chr17:31,206,243, G>A. VCF-style: chr17-31206243-G-A. GRCh37 (hg19) VCF-style: chr17-29533261-G-A.
Other names: c.1264G>A, p.Ala422Thr (NM_000267.4, NM_001128147.3); short protein forms A422T.
Identifiers: ClinVar variation 185401 (VCV000185401.14), dbSNP rs786202145, ClinGen allele CA191826.